The following is an entry in ClinVar:

NM_000492.4(CFTR):c.1163C>T (p.Thr388Met)

Gene: CFTR (CF transmembrane conductance regulator; plus strand). Cytogenetic location: 7q31.2.
Variant type: single nucleotide variant.
Coding change: c.1163C>T on transcript NM_000492.4 (MANE Select); coding-DNA position 1163, C replaced by T.
Protein change: p.Thr388Met; replaces threonine 388 with methionine.
Molecular consequence: missense variant.
Genome position (GRCh38, 1-based): chr7:117,542,062, C>T. VCF-style: chr7-117542062-C-T. GRCh37 (hg19) VCF-style: chr7-117182116-C-T.
Other names: short protein forms T388M.
Identifiers: ClinVar variation 495887 (VCV000495887.52), dbSNP rs143860237, ClinGen allele CA4450912.

ClinVar aggregate classification (germline): Uncertain significance. Review status: criteria provided, multiple submitters, no conflicts (2 of 4 stars). 14 submissions from 14 submitters: Uncertain significance (13). 1 of the submissions does not count toward it. Last evaluated 2026-06-04.

Conditions:
CFTR-related disorder (CFTR-RD). Also called: CFTR-related disorders; CFTR-related condition. Identifiers: MedGen C5924204, MONDO:7770004.
Hereditary pancreatitis (PCTT). Also called: PRSS1-Related Hereditary Pancreatitis; Hereditary chronic pancreatitis. Identifiers: Orphanet 676, MedGen C0238339, MONDO:0008185, OMIM 167800.
Bronchiectasis with or without elevated sweat chloride 1 (BESC1). Also called: Cystic Fibrosis-Like Syndrome. Identifiers: Orphanet 60033, MedGen C2749757, MONDO:0008887, OMIM 211400.
Congenital bilateral aplasia of vas deferens from CFTR mutation (CBAVD). Identifiers: Orphanet 48, MedGen C0403814, MONDO:0010178, OMIM 277180. Disease mechanism: loss of function.
Cystic fibrosis (CF). Also called: MUCOVISCIDOSIS. Identifiers: Orphanet 586, MedGen C0010674, MONDO:0009061, OMIM 219700. Disease mechanism: loss of function.

Allele frequency attached by ClinVar (database versions not stated): ESP Exome Variant Server 0.00008; TOPMed 0.00008; gnomAD 0.00011; gnomAD exomes 0.00011 and 0.00016; ExAC 0.00013.
gnomAD v4.1: 185 of 1,602,538 alleles (0.012%); highest among the groups gnomAD compares: Middle Eastern, 0.21%; no homozygotes.

Submissions (14):

PreventionGenetics, part of Exact Sciences
Classification: Uncertain significance for CFTR-related condition. Last evaluated: 2026-06-04. Review status: criteria provided, single submitter. Criteria: ACMG Guidelines, 2015. Collection method: clinical testing. Allele origin: germline.
Comment: The CFTR c.1163C>T variant is predicted to result in the amino acid substitution p.Thr388Met. In the heterozygous state, this variant has been reported in a patient with asthma or COPD (Tzetis et al. 2001. PubMed ID: 11354633; Table S1, Saferali et al. 2022. PubMed ID: 34996830), and has also been reported in a patient with congenital bilateral absence of the vas deferens (CBAVD) (Dayangaç et al. 2004. PubMed ID: 15070876). This variant is reported in 0.036% of alleles in individuals of South Asian descent in gnomAD. At this time, the clinical significance of this variant is uncertain due to the absence of conclusive functional and genetic evidence.

Women's Health and Genetics/Laboratory Corporation of America, LabCorp
Classification: Uncertain significance. Last evaluated: 2025-08-18. Review status: criteria provided, single submitter. Criteria: LabCorp Variant Classification Summary - May 2015. Collection method: clinical testing. Allele origin: germline.
Comment: Variant summary: CFTR c.1163C>T (p.Thr388Met) results in a non-conservative amino acid change in the encoded protein sequence. Algorithms developed to predict the effect of missense changes on protein structure and function all suggest that this variant is likely to be disruptive. The variant allele was found at a frequency of 0.00016 in 250946 control chromosomes (gnomAD). This frequency is not significantly higher than estimated for a pathogenic variant in CFTR causing CFTR-Related Diseases (0.00016 vs 0.013), allowing no conclusion about variant significance. c.1163C>T has been observed in cohorts of patients affected with CFTR-Related Diseases including CF, CBAVD/CUAVD, asthma, and was also found in cohorts of (presumed) healthy subjects (e.g. Schrijver_2016, Dayangac_2004, Akinsal_2018, Tzetis_2001, Bozdogan_2021, De Paolis_2023, Yildiz_2024). These report(s) do not provide unequivocal conclusions about association of the variant with CFTR-Related Diseases. At least one publication reports experimental evidence evaluating an impact on protein function. The most pronounced variant effect resulted 86.1% of normal chloride channel conductance relative to wild type (Bihler_2024). The following publications have been ascertained in the context of this evaluation (PMID: 26990548, 29484681, 38388235, 33572515, 15070876, 29589582, 26708955, 11354633, 39031495, 37628659). ClinVar contains an entry for this variant (Variation ID: 495887). Based on the evidence outlined above, the variant was classified as uncertain significance.

Labcorp Genetics (formerly Invitae), Labcorp
Classification: Uncertain significance for Cystic fibrosis. Last evaluated: 2024-10-12. Review status: criteria provided, single submitter. Criteria: Invitae Variant Classification Sherloc (09022015). Collection method: clinical testing. Allele origin: germline.
Comment: This sequence change replaces threonine, which is neutral and polar, with methionine, which is neutral and non-polar, at codon 388 of the CFTR protein (p.Thr388Met). This variant is present in population databases (rs143860237, gnomAD 0.04%). This missense change has been observed in individual(s) with cystic fibrosis, congenital bilateral absence of the vas deferens, or asthma (PMID: 11354633, 15070876, 26708955). This variant is also known as c.1295C>T. ClinVar contains an entry for this variant (Variation ID: 495887). An algorithm developed to predict the effect of missense changes on protein structure and function outputs the following: PolyPhen-2: "Benign". The methionine amino acid residue is found in multiple mammalian species, which suggests that this missense change does not adversely affect protein function. In summary, the available evidence is currently insufficient to determine the role of this variant in disease. Therefore, it has been classified as a Variant of Uncertain Significance.

Blueprint Genetics
Classification: Uncertain significance. Last evaluated: 2024-10-10. Review status: criteria provided, single submitter. Criteria: ACMG Guidelines, 2015. Collection method: clinical testing. Allele origin: germline.

Ambry Genetics
Classification: Uncertain significance for Cystic fibrosis. Last evaluated: 2024-04-03. Review status: criteria provided, single submitter. Criteria: Ambry Variant Classification Scheme 2023. Collection method: clinical testing. Allele origin: germline.
Comment: The p.T388M variant (also known as c.1163C>T), located in coding exon 9 of the CFTR gene, results from a C to T substitution at nucleotide position 1163. The threonine at codon 388 is replaced by methionine, an amino acid with similar properties. This variant was first reported in an individual with cystic fibrosis (CF) and pancreatic insufficiency (Zielenski J et al. Cystic Fibrosis Mutation Database [database online] Toronto, ON, Canada: SickKids; 5-23-96); however, a second CFTR alteration was not identified. This variant was also reported in one individual with asthma, normal sweat chloride levels, and no classic symptoms of CF (Tzetis M et al. Hum. Genet. 2001 Mar; 108(3):216-21). In addition, this variant has been seen in individuals with a clinical diagnosis of congenital bilateral absence of the vas deferens (CBAVD) who did not have a second CFTR alteration (Dayanga&ccedil; D et al. Hum. Reprod. 2004 May; 19(5):1094-100; Akinsal EC et al. Andrologia, 2018 Feb). This amino acid position is well conserved in available vertebrate species; however, methionine is the reference amino acid in other vertebrate species. In addition, this alteration is predicted to be deleterious by in silico analysis. Based on available evidence to date, the clinical significance of this alteration remains unclear.

Mendelics
Classification: Uncertain significance for Cystic fibrosis. Last evaluated: 2023-06-19. Review status: criteria provided, single submitter. Criteria: Mendelics Assertion Criteria 2017. Collection method: clinical testing. Allele origin: unknown.

ARUP Laboratories, Molecular Genetics and Genomics, ARUP Laboratories
Classification: Uncertain significance for Hereditary pancreatitis. Last evaluated: 2021-08-23. Review status: criteria provided, single submitter. Criteria: ARUP Molecular Germline Variant Investigation Process 2021. Collection method: clinical testing. Allele origin: germline.
Comment: The CFTR c.1163C>T; p.Thr388Met variant (rs143860237) is reported in the literature in an individual with asthma (Tzetis 2001) and an individual with congenital bilateral absence of the vas deferens (Dayangac 2004). It is reported in ClinVar (Variation ID: 495887), and is observed in the general population at an overall frequency of 0.015% (43/282316 alleles) in the Genome Aggregation Database. The threonine at codon 388 is moderately conserved, but computational analyses are uncertain whether this variant is neutral or deleterious (REVEL: 0.601). Due to limited information, the clinical significance of the p.Thr388Met variant is uncertain at this time. REFERENCES Dayangac D et al. Mutations of the CFTR gene in Turkish patients with congenital bilateral absence of the vas deferens. Hum Reprod. 2004 May;19(5):1094-100. PMID: 15070876. Tzetis M et al. CFTR gene mutations--including three novel nucleotide substitutions--and haplotype background in patients with asthma, disseminated bronchiectasis and chronic obstructive pulmonary disease. Hum Genet. 2001 Mar;108(3):216-21. PMID: 11354633.

Genome-Nilou Lab
Classification: Uncertain significance for Cystic fibrosis. Last evaluated: 2021-05-18. Review status: criteria provided, single submitter. Criteria: ACMG Guidelines, 2015. Collection method: clinical testing. Allele origin: germline. Affected: no.

Dubai Health Genomic Medicine Center, Dubai Health
Classification: Uncertain significance. Last evaluated: 2020-02-02. Review status: criteria provided, single submitter. Criteria: ACMG Guidelines, 2015. Collection method: clinical testing. Allele origin: germline. Affected: yes.
Comment: The p.Thr388Met missense variant in CFTR has been previously reported most likely in the heterozygous state in individuals affected with cystic fibrosis congenital bilateral absence of the vas deferens or asthma (PMID: 26708955 15070876 11354633). Computational prediction tools and conservation analysis do not suggest an impact to protein function however this information is not predictive enough to rule out pathogenicity. In summary more information is needed to determine the clinical significance of this variant.

Mayo Clinic Laboratories, Mayo Clinic
Classification: Uncertain significance. Last evaluated: 2019-12-17. Review status: criteria provided, single submitter. Criteria: ACMG Guidelines, 2015. Collection method: clinical testing. Allele origin: germline. Observed: 1 variant allele.

Fulgent Genetics
Classification: Uncertain significance for Hereditary pancreatitis; Bronchiectasis with or without elevated sweat chloride 1; Cystic fibrosis; Congenital bilateral aplasia of vas deferens from CFTR mutation. Last evaluated: 2018-10-31. Review status: criteria provided, single submitter. Criteria: ACMG Guidelines, 2015. Collection method: clinical testing. Allele origin: unknown.

Eurofins Ntd Llc (ga)
Classification: Uncertain significance. Last evaluated: 2017-07-25. Review status: criteria provided, single submitter. Criteria: EGL Classification Definitions 2015. Collection method: clinical testing. Allele origin: germline. Observed: 1 variant allele, 1 heterozygote.

Illumina Laboratory Services, Illumina
Classification: Uncertain significance for CFTR-Related Disorders. Last evaluated: 2017-04-28. Review status: criteria provided, single submitter. Criteria: ICSL Variant Classification Criteria 13 December 2019. Collection method: clinical testing. Allele origin: germline.
Comment: This variant was observed as part of a predisposition screen in an ostensibly healthy population. A literature search was performed for the gene, cDNA change, and amino acid change (where applicable). Publications were found based on this search. However, the evidence from the literature, in combination with allele frequency data from public databases where available, was not sufficient to rule this variant in or out of causing disease. Therefore, this variant is classified as a variant of unknown significance.

Natera, Inc.
Classification: Uncertain significance for CFTR-related disorders. Last evaluated: 2018-06-08. Review status: no assertion criteria provided. Collection method: clinical testing. Allele origin: germline. Not counted in ClinVar's aggregate classification.

Literature cited by the submitters: PubMed 11354633 (cited by 5 submitters); PubMed 15070876 (cited by 3 submitters); PubMed 26708955 (cited by Women's Health and Genetics/Laboratory Corporation of America, LabCorp and Labcorp Genetics (formerly Invitae), Labcorp); PubMed 26990548 (cited by Women's Health and Genetics/Laboratory Corporation of America, LabCorp); PubMed 29589582 (cited by Women's Health and Genetics/Laboratory Corporation of America, LabCorp); PubMed 29484681 (cited by Women's Health and Genetics/Laboratory Corporation of America, LabCorp and Ambry Genetics); PubMed 33572515 (cited by Women's Health and Genetics/Laboratory Corporation of America, LabCorp); PubMed 38388235 (cited by Women's Health and Genetics/Laboratory Corporation of America, LabCorp); PubMed 37628659 (cited by Women's Health and Genetics/Laboratory Corporation of America, LabCorp); PubMed 39031495 (cited by Women's Health and Genetics/Laboratory Corporation of America, LabCorp); PubMed 18687795 (cited by Ambry Genetics); PubMed 22664493 (cited by Illumina Laboratory Services, Illumina).